The following is an entry in ClinVar:

ClinVar aggregate classification (germline): Uncertain significance. Review status: criteria provided, multiple submitters, no conflicts (2 of 4 stars). 2 submissions from 2 submitters: Uncertain significance (2). Last evaluated 2025-04-07.

Conditions:
HMGCL-related disorder. Also called: HMGCL-related condition.
Deficiency of hydroxymethylglutaryl-CoA lyase (HMGCLD). Also called: Defect in leucine metabolism; 3-hydroxy-3-methylglutaric aciduria; HMGCL DEFICIENCY; HYDROXYMETHYLGLUTARIC ACIDURIA; HMG-CoA LYASE DEFICIENCY. Identifiers: Orphanet 20, MedGen C1533587, MONDO:0009520, OMIM 246450.

Submissions (2):

PreventionGenetics, part of Exact Sciences
Classification: Uncertain significance for HMGCL-related condition. Last evaluated: 2025-04-07. Review status: criteria provided, single submitter. Criteria: ACMG Guidelines, 2015. Collection method: clinical testing. Allele origin: germline.
Comment: The HMGCL c.686C>A variant is predicted to result in the amino acid substitution p.Ala229Asp. To our knowledge, this variant has not been reported in the literature or in a large population database (gnomAD), indicating this variant is rare. At this time, the clinical significance of this variant is uncertain due to the absence of conclusive functional and genetic evidence.

Labcorp Genetics (formerly Invitae), Labcorp
Classification: Uncertain significance for Deficiency of hydroxymethylglutaryl-CoA lyase. Last evaluated: 2021-11-11. Review status: criteria provided, single submitter. Criteria: Invitae Variant Classification Sherloc (09022015). Collection method: clinical testing. Allele origin: germline.
Comment: This variant is not present in population databases (gnomAD no frequency). This variant has not been reported in the literature in individuals affected with HMGCL-related conditions. This sequence change replaces alanine, which is neutral and non-polar, with aspartic acid, which is acidic and polar, at codon 229 of the HMGCL protein (p.Ala229Asp). Algorithms developed to predict the effect of missense changes on protein structure and function are either unavailable or do not agree on the potential impact of this missense change (SIFT: "Tolerated"; PolyPhen-2: "Probably Damaging"; Align-GVGD: "Class C0"). In summary, the available evidence is currently insufficient to determine the role of this variant in disease. Therefore, it has been classified as a Variant of Uncertain Significance.

NM_000191.3(HMGCL):c.686C>A (p.Ala229Asp)

Gene: HMGCL (3-hydroxy-3-methylglutaryl-CoA lyase; minus strand). Cytogenetic location: 1p36.11.
Variant type: single nucleotide variant.
Coding change: c.686C>A on transcript NM_000191.3 (MANE Select); coding-DNA position 686, C replaced by A.
Protein change: p.Ala229Asp; replaces alanine 229 with aspartic acid.
Molecular consequence: missense variant.
Genome position (GRCh38, 1-based): chr1:23,808,199, G>T on the plus strand (C>A on the coding strand, the complement: HMGCL is on the minus strand). VCF-style: chr1-23808199-G-T. GRCh37 (hg19) VCF-style: chr1-24134689-G-T.
Other names: c.473C>A, p.Ala158Asp (NM_001166059.2); c.686C>A (NM_000191.2); short protein forms A158D, A229D.
Identifiers: ClinVar variation 1392531 (VCV001392531.7), dbSNP rs752913892, ClinGen allele CA339023594.
Genomic context (GRCh38, chr1:23,808,199, plus strand): 5'-AGGGCCATCAAGGTGTTGGCCAGGGCTTGACCATAGGTGTCATGGCAGTGGACAGCCAGG[G>T]CAGCCAGAGGCACTTCCTGCATGACAGCAGATAGCATGTCTTTCATGATCCCTGGGGTGC-3'
Protein context (NP_000182.2, residues 219-239): SAVMQEVPLA[Ala229Asp]LAVHCHDTYG